The following is an entry in ClinVar:

NM_001267550.2(TTN):c.74597CAA[1] (p.Thr24867del)

Genes: TTN (titin; minus strand), TTN-AS1 (TTN antisense RNA 1; plus strand). Cytogenetic location: 2q31.2.
Variant type: Microsatellite.
Coding change: c.74597CAA[1] on transcript NM_001267550.2 (MANE Select); one copy of the 3-base unit CAA starting at c.74597; the reference has two copies in a row; one copy, 3 bases deleted; also written c.74600_74602del.
Protein change: p.Thr24867del; deletes threonine 24867.
Molecular consequence: inframe deletion.
Genome position (GRCh38, 1-based): chr2:178,571,530-178,571,532, TTG deleted on the plus strand (CAA on the coding strand, the reverse complement: TTN is on the minus strand); deleting any 3 consecutive bases within chr2:178,571,530-178,571,536 gives the same sequence; the position shown is the placement nearest the transcript's 3' end. VCF-style (leftmost placement, unchanged base first): chr2-178571529-ATTG-A. GRCh37 (hg19) VCF-style: chr2-179436256-ATTG-A.
Other names: p.Thr23226del; c.74600_74602delCAA (NM_001267550.2); c.74600_74602del (NM_001267550.2); c.66896_66898delCAA (NM_133378.4); c.47405_47407delCAA (NM_003319.4); c.69674CAA[1], p.Thr23226del (NM_001256850.1); c.47402CAA[1], p.Thr15802del (NM_003319.4); c.66893CAA[1], p.Thr22299del (NM_133378.4); and 3 more; short protein forms T22299del, T24867del, T23226del, T15927del, T15994del, T15802del.
Identifiers: ClinVar variation 165840 (VCV000165840.76), dbSNP rs543318580, ClinGen allele CA211114.

ClinVar aggregate classification (germline): Conflicting classifications of pathogenicity. Review status: criteria provided, conflicting classifications (1 of 4 stars). 18 submissions from 18 submitters: Uncertain significance (2); Benign (1); Likely benign (9). 6 of the submissions do not count toward it. Last evaluated 2026-04-01.

Conditions:
TTN-related disorder. Also called: TTN-related disorders; TTN-related condition; TTN-related disease.
Cardiovascular phenotype. Identifiers: MedGen CN230736.
Dilated cardiomyopathy 1G (CMD1G). Identifiers: Orphanet 154, MedGen C1858763, MONDO:0011400, OMIM 604145.
Autosomal recessive limb-girdle muscular dystrophy type 2J (LGMDR10). Also called: Limb-girdle muscular dystrophy, type 2J; MUSCULAR DYSTROPHY, LIMB-GIRDLE, AUTOSOMAL RECESSIVE 10. Identifiers: Orphanet 140922, MedGen C1837342, MONDO:0012127, OMIM 608807.
Cardiomyopathy (CMYO). Also called: Cardiomyopathies. Identifiers: Orphanet 167848, MedGen C0878544, MONDO:0004994, HP:0001638. Inheritance: Various modes of inheritance.
Hypertrophic cardiomyopathy. Also called: HYPERTROPHIC MYOCARDIOPATHY. Identifiers: Orphanet 217569, MedGen C0007194, MeSH D002312, MONDO:0005045, HP:0001639.

Submissions (18):

CeGaT Center for Human Genetics Tuebingen
Classification: Likely benign. Last evaluated: 2026-04-01. Review status: criteria provided, single submitter. Criteria: CeGaT Center For Human Genetics Tuebingen Variant Classification Criteria Version 2. Collection method: clinical testing. Allele origin: germline. Affected: yes. Observed: 9 variant alleles.
Comment: TTN: PM4:Supporting, BS1

Labcorp Genetics (formerly Invitae), Labcorp
Classification: Likely benign for Dilated cardiomyopathy 1G; Autosomal recessive limb-girdle muscular dystrophy type 2J. Last evaluated: 2026-01-31. Review status: criteria provided, single submitter. Criteria: Invitae Variant Classification Sherloc (09022015). Collection method: clinical testing. Allele origin: germline.

Mayo Clinic Laboratories, Mayo Clinic
Classification: Likely benign. Last evaluated: 2025-09-12. Review status: criteria provided, single submitter. Criteria: ACMG Guidelines, 2015. Collection method: clinical testing. Allele origin: germline. Observed: 3 variant alleles.
Comment: BS1

Molecular Diagnostic Laboratory for Inherited Cardiovascular Disease, Montreal Heart Institute
Classification: Likely benign. Last evaluated: 2025-04-09. Review status: criteria provided, single submitter. Criteria: ACMG Guidelines, 2015. Collection method: clinical testing. Allele origin: germline. Affected: no.

Blueprint Genetics
Classification: Likely benign. Last evaluated: 2024-11-20. Review status: criteria provided, single submitter. Criteria: ACMG Guidelines, 2015. Collection method: clinical testing. Allele origin: germline.

Women's Health and Genetics/Laboratory Corporation of America, LabCorp
Classification: Likely benign. Last evaluated: 2024-01-28. Review status: criteria provided, single submitter. Criteria: LabCorp Variant Classification Summary - May 2015. Collection method: clinical testing. Allele origin: germline.

CHEO Genetics Diagnostic Laboratory, Children's Hospital of Eastern Ontario
Classification: Benign for Cardiomyopathy. Last evaluated: 2022-11-18. Review status: criteria provided, single submitter. Criteria: ACMG Guidelines, 2015. Collection method: clinical testing. Allele origin: germline.

Ambry Genetics
Classification: Likely benign for Cardiovascular phenotype. Last evaluated: 2019-07-05. Review status: criteria provided, single submitter. Criteria: Ambry Variant Classification Scheme 2023. Collection method: clinical testing. Allele origin: germline.

Eurofins Ntd Llc (ga)
Classification: Uncertain significance. Last evaluated: 2018-06-20. Review status: criteria provided, single submitter. Criteria: EGL ClinVar v180209 classification definitions. Collection method: clinical testing. Allele origin: germline. Observed: 15 variant alleles, 12 heterozygotes.

Athena Diagnostics
Classification: Likely benign. Last evaluated: 2017-06-16. Review status: criteria provided, single submitter. Criteria: Athena Diagnostics Criteria. Collection method: clinical testing. Allele origin: germline.

Laboratory for Molecular Medicine, Mass General Brigham Personalized Medicine
Classification: Likely benign. Last evaluated: 2015-07-22. Review status: criteria provided, single submitter. Criteria: LMM Criteria. Collection method: clinical testing. Allele origin: germline. Observed: 3 variant alleles.
Comment: p.Thr22299del in exon 275 of TTN: This variant is not expected to have clinical significance because it has been identified in 0.3% (21/6554) of Finnish chromos omes and 0.2% (132/66122) of European chromosomes by the Exome Aggregation Conso rtium (ExAC; dbSNP rs543318580).

Genetics and Genomics Program, Sidra Medicine
Classification: Uncertain significance for Hypertrophic cardiomyopathy. Review status: criteria provided, single submitter. Criteria: ACMG Guidelines, 2015. Collection method: research. Allele origin: unknown. Affected: yes. Observed: 1 variant allele.

PreventionGenetics, part of Exact Sciences
Classification: Likely benign for TTN-related condition. Last evaluated: 2021-03-16. Review status: no assertion criteria provided. Collection method: clinical testing. Allele origin: germline. Not counted in ClinVar's aggregate classification.
Comment: This variant is classified as likely benign based on ACMG/AMP sequence variant interpretation guidelines (Richards et al. 2015 PMID: 25741868, with internal and published modifications).

Clinical Genetics DNA and cytogenetics Diagnostics Lab, Erasmus MC, Erasmus Medical Center
Classification: Likely benign. Review status: no assertion criteria provided. Collection method: clinical testing. Allele origin: germline. Affected: yes. Study: VKGL Data-share Consensus. Not counted in ClinVar's aggregate classification.

Diagnostic Laboratory, Department of Genetics, University Medical Center Groningen
Classification: Likely benign. Review status: no assertion criteria provided. Collection method: clinical testing. Allele origin: germline. Affected: yes. Study: VKGL Data-share Consensus. Not counted in ClinVar's aggregate classification.

Genome Diagnostics Laboratory, University Medical Center Utrecht
Classification: Likely benign. Review status: no assertion criteria provided. Collection method: clinical testing. Allele origin: germline. Affected: yes. Study: VKGL Data-share Consensus. Not counted in ClinVar's aggregate classification.

Joint Genome Diagnostic Labs from Nijmegen and Maastricht, Radboudumc and MUMC+
Classification: Likely benign. Review status: no assertion criteria provided. Collection method: clinical testing. Allele origin: germline. Affected: yes. Study: VKGL Data-share Consensus. Not counted in ClinVar's aggregate classification.

Laboratory of Diagnostic Genome Analysis, Leiden University Medical Center (LUMC)
Classification: Likely benign. Review status: no assertion criteria provided. Collection method: clinical testing. Allele origin: germline. Affected: yes. Study: VKGL Data-share Consensus. Not counted in ClinVar's aggregate classification.